The following is an entry in ClinVar:

ClinVar aggregate classification (germline): Uncertain significance (1 of 4 stars; one submission).

gnomAD v4.1: 9 of 1,570,564 alleles (0.00057%); highest among the groups gnomAD compares: South Asian, 0.0033%; no homozygotes.

Submission:

Clinical Genomics Laboratory, Stanford Medicine
Classification: Uncertain significance. Last evaluated: 2023-01-01. Review status: criteria provided, single submitter. Criteria: ACMG Guidelines, 2015. Collection method: clinical testing. Allele origin: germline. Observed: 1 variant allele, 1 heterozygote.
Comment: The p.Asn405Ser variant in the NEBL gene has not been previously reported in association with disease. This variant has been identified in 1/16,232 African/African American chromosomes (1/250,616 chromosomes overall) by the Genome Aggregation Database. The asparagine at position 405 is moderately evolutionarily conserved; however, serine is observed at this position in several mammalian species. Computational tools predict that the p.Asn405Ser variant does not impact protein function; however, the accuracy of in silico algorithms is limited. These data were assessed using the ACMG/AMP variant interpretation guidelines. In summary, the significance of the p.Asn405Ser variant is uncertain. Additional information is needed to resolve the significance of this variant. [ACMG evidence codes used: PM2; BP4]

NM_006393.3(NEBL):c.1214A>G (p.Asn405Ser)

Gene: NEBL (nebulette; minus strand). Cytogenetic location: 10p12.31.
Variant type: single nucleotide variant.
Coding change: c.1214A>G on transcript NM_006393.3 (MANE Select); coding-DNA position 1214, A replaced by G.
Protein change: p.Asn405Ser; replaces asparagine 405 with serine.
Molecular consequence: missense variant. On other transcripts: intron variant (9).
Genome position (GRCh38, 1-based): chr10:20,845,271, T>C on the plus strand (A>G on the coding strand, the complement: NEBL is on the minus strand). VCF-style: chr10-20845271-T-C. GRCh37 (hg19) VCF-style: chr10-21134200-T-C.
Other names: c.250-32331A>G (NM_001377326.1, NM_001377327.1, NM_001377328.1); c.358-32331A>G (NM_213569.2, NM_001173484.2, NM_001377322.1); c.301-32331A>G (NM_001377324.1); c.292-32331A>G (NM_001377325.1); c.310-32331A>G (NM_001377323.1); short protein forms N405S.
Identifiers: ClinVar variation 4852808 (VCV004852808.1).